The following is an entry in ClinVar:

NM_006269.2(RP1):c.3325C>T (p.Pro1109Ser)

Gene: RP1 (RP1 axonemal microtubule associated; plus strand). Cytogenetic location: 8q12.1.
Variant type: single nucleotide variant.
Coding change: c.3325C>T on transcript NM_006269.2 (MANE Select); coding-DNA position 3325, C replaced by T.
Protein change: p.Pro1109Ser; replaces proline 1109 with serine.
Molecular consequence: missense variant. On other transcripts: intron variant (1).
Genome position (GRCh38, 1-based): chr8:54,627,207, C>T. VCF-style: chr8-54627207-C-T. GRCh37 (hg19) VCF-style: chr8-55539767-C-T.
Other names: c.787+4919C>T (NM_001375654.1); short protein forms P1109S.
Identifiers: ClinVar variation 2292969 (VCV002292969.6), dbSNP rs769893619, ClinGen allele CA4751669.

ClinVar aggregate classification (germline): Uncertain significance. Review status: criteria provided, multiple submitters, no conflicts (2 of 4 stars). 3 submissions from 3 submitters: Uncertain significance (3). Last evaluated 2023-09-25.

Conditions:
Inborn genetic diseases. Identifiers: MedGen C0950123, MeSH D030342.
Retinitis pigmentosa 1 (RP1). Identifiers: Orphanet 791, MedGen C0220701, MONDO:0008377, OMIM 180100.

Allele frequency attached by ClinVar (database versions not stated): ExAC 0.00001; gnomAD 0.00001; gnomAD exomes 0.00003.
gnomAD v4.1: 39 of 1,613,906 alleles (0.0024%); highest among the groups gnomAD compares: Non-Finnish European, 0.0032%; no homozygotes.

Submissions (3):

Labcorp Genetics (formerly Invitae), Labcorp
Classification: Uncertain significance. Last evaluated: 2023-09-25. Review status: criteria provided, single submitter. Criteria: Invitae Variant Classification Sherloc (09022015). Collection method: clinical testing. Allele origin: germline.
Comment: This sequence change replaces proline, which is neutral and non-polar, with serine, which is neutral and polar, at codon 1109 of the RP1 protein (p.Pro1109Ser). In summary, the available evidence is currently insufficient to determine the role of this variant in disease. Therefore, it has been classified as a Variant of Uncertain Significance. Algorithms developed to predict the effect of missense changes on protein structure and function output the following: SIFT: "Not Available"; PolyPhen-2: "Benign"; Align-GVGD: "Not Available". The serine amino acid residue is found in multiple mammalian species, which suggests that this missense change does not adversely affect protein function. ClinVar contains an entry for this variant (Variation ID: 2292969). This variant has not been reported in the literature in individuals affected with RP1-related conditions. This variant is present in population databases (rs769893619, gnomAD 0.002%).

Department of Pathology and Laboratory Medicine, Sinai Health System
Classification: Uncertain significance for Retinitis pigmentosa 1. Last evaluated: 2022-11-17. Review status: criteria provided, single submitter. Criteria: ACMG Guidelines, 2015. Collection method: research. Allele origin: germline.

Ambry Genetics
Classification: Uncertain significance for Inborn genetic diseases. Last evaluated: 2022-05-27. Review status: criteria provided, single submitter. Criteria: Ambry Variant Classification Scheme 2023. Collection method: clinical testing. Allele origin: germline.